The following is an entry in ClinVar:

ClinVar aggregate classification (germline): Uncertain significance (1 of 4 stars; one submission).

gnomAD v4.1: 1 of 1,589,122 alleles (0.000063%); no homozygotes.

Submission:

GeneDx
Classification: Uncertain significance. Last evaluated: 2025-04-21. Review status: criteria provided, single submitter. Criteria: GeneDx Variant Classification Process June 2021. Collection method: clinical testing. Allele origin: germline. Affected: yes.
Comment: Not observed at significant frequency in large population cohorts (gnomAD); In silico analysis indicates that this missense variant does not alter protein structure/function; Has not been previously published as pathogenic or benign to our knowledge

NM_015021.3(ZNF292):c.5858C>T (p.Thr1953Ile)

Gene: ZNF292 (zinc finger protein 292; plus strand). Cytogenetic location: 6q14.3.
Variant type: single nucleotide variant.
Coding change: c.5858C>T on transcript NM_015021.3 (MANE Select); coding-DNA position 5858, C replaced by T.
Protein change: p.Thr1953Ile; replaces threonine 1953 with isoleucine.
Molecular consequence: missense variant.
Genome position (GRCh38, 1-based): chr6:87,259,487, C>T. VCF-style: chr6-87259487-C-T. GRCh37 (hg19) VCF-style: chr6-87969205-C-T.
Other names: c.5438C>T, p.Thr1813Ile (NM_001351444.2); short protein forms T1813I, T1953I.
Identifiers: ClinVar variation 1317321 (VCV001317321.4), dbSNP rs2127870701, ClinGen allele CA364934805.